The following is an entry in ClinVar:

NM_001723.7(DST):c.6451A>T (p.Ile2151Phe)

Gene: DST (dystonin; minus strand). Cytogenetic location: 6p12.1.
Variant type: single nucleotide variant.
Coding change: c.6451A>T on transcript NM_001723.7 (MANE Plus Clinical); coding-DNA position 6451, A replaced by T.
Protein change: p.Ile2151Phe; replaces isoleucine 2151 with phenylalanine.
Molecular consequence: missense variant. On other transcripts: intron variant (10).
Genome position (GRCh38, 1-based): chr6:56,617,016, T>A on the plus strand (A>T on the coding strand, the complement: DST is on the minus strand). VCF-style: chr6-56617016-T-A. GRCh37 (hg19) VCF-style: chr6-56481814-T-A.
Other names: c.4831-2532A>T (NM_001144769.5); c.4930-2532A>T (NM_001374722.1, NM_001374736.1); c.4957-2532A>T (NM_001374734.1); c.4417-2532A>T (NM_001144770.2); c.4297-2532A>T (NM_001374730.1, NM_001386100.1, NM_183380.4 and 1 more transcripts); c.3319-2532A>T (NM_015548.5); short protein forms I2151F.
Identifiers: ClinVar variation 652498 (VCV000652498.9), dbSNP rs1274594122, ClinGen allele CA364565115.

ClinVar aggregate classification (germline): Uncertain significance (1 of 4 stars; one submission).

Conditions:
Hereditary sensory and autonomic neuropathy type 6. Also called: Neuropathy, hereditary sensory and autonomic, type VI; HSAN VI. Identifiers: Orphanet 314381, MedGen C3539003, MONDO:0013839, OMIM 614653.
Epidermolysis bullosa simplex 3, localized or generalized intermediate, with BP230 deficiency (EBS3). Also called: Epidermolysis bullosa simplex due to BP230 deficiency; Epidermolysis bullosa simplex, autosomal recessive 2. Identifiers: Orphanet 412181, MedGen C3809470, MONDO:0014180, OMIM 615425.

Allele frequency attached by ClinVar (database versions not stated): gnomAD exomes 0.00001; TOPMed 0.00001; gnomAD 0.00002.
gnomAD v4.1: 6 of 1,612,232 alleles (0.00037%); highest among the groups gnomAD compares: Non-Finnish European, 0.00051%; no homozygotes.

Submission:

Labcorp Genetics (formerly Invitae), Labcorp
Classification: Uncertain significance for Epidermolysis bullosa simplex 3, localized or generalized intermediate, with BP230 deficiency; Hereditary sensory and autonomic neuropathy type 6. Last evaluated: 2024-08-06. Review status: criteria provided, single submitter. Criteria: Invitae Variant Classification Sherloc (09022015). Collection method: clinical testing. Allele origin: germline.
Comment: This sequence change replaces isoleucine, which is neutral and non-polar, with phenylalanine, which is neutral and non-polar, at codon 2151 of the DST protein (p.Ile2151Phe). This variant is present in population databases (no rsID available, gnomAD 0.01%). This variant has not been reported in the literature in individuals affected with DST-related conditions. ClinVar contains an entry for this variant (Variation ID: 652498). An algorithm developed to predict the effect of missense changes on protein structure and function (PolyPhen-2) suggests that this variant is likely to be tolerated. In summary, the available evidence is currently insufficient to determine the role of this variant in disease. Therefore, it has been classified as a Variant of Uncertain Significance.